The following is an entry in ClinVar:

ClinVar aggregate classification (germline): Uncertain significance. Review status: criteria provided, multiple submitters, no conflicts (2 of 4 stars). 4 submissions from 4 submitters: Uncertain significance (4). Last evaluated 2026-02-01.

Conditions:
Hyperkalemic periodic paralysis. Also called: Familial hyperkalemic periodic paralysis; Gamstorp disease. Identifiers: Orphanet 682, MedGen C0238357, MONDO:0008224, OMIM 170500, HP:0007215.
Congenital myopathy 22A, classic (CMYO22A). Identifiers: MedGen C5830453, MONDO:0957247, OMIM 620351.
Congenital myopathy 22B, severe fetal (CMYO22B). Identifiers: MedGen C5830501, MONDO:0957265, OMIM 620369.
Paramyotonia congenita of Von Eulenburg. Also called: Eulenburg disease; Myotonia congenita intermittens; Von Eulenburg paramyotonia congenita; Paramyotonia Congenita; PARALYSIS PERIODICA PARAMYOTONICA. Identifiers: Orphanet 684, MedGen C0221055, MONDO:0008195, OMIM 168300. Disease mechanism: loss of function.
Hypokalemic periodic paralysis, type 2 (HOKPP2). Identifiers: Orphanet 681, MedGen C2750061, MONDO:0013234, OMIM 613345.
Potassium-aggravated myotonia. Also called: MYOTONIA CONGENITA, ACETAZOLAMIDE-RESPONSIVE; MYOTONIA CONGENITA, ATYPICAL; SODIUM CHANNEL MUSCLE DISEASE; Myotonia congenita, atypical, acetazolamide-responsive. Identifiers: Orphanet 612, Orphanet 99734, Orphanet 99735, Orphanet 99736, MedGen C2931826, MONDO:0018959, OMIM 608390.
Congenital myasthenic syndrome 16. Identifiers: Orphanet 590, MedGen C3280112, MONDO:0013620, OMIM 614198.
Inborn genetic diseases. Identifiers: MedGen C0950123, MeSH D030342.

Allele frequency attached by ClinVar (database versions not stated): gnomAD exomes 0.00002; TOPMed 0.00003; ExAC 0.00002.
gnomAD v4.1: 38 of 1,613,710 alleles (0.0024%); highest among the groups gnomAD compares: Non-Finnish European, 0.0025%; no homozygotes.

Submissions (4):

Labcorp Genetics (formerly Invitae), Labcorp
Classification: Uncertain significance for Hyperkalemic periodic paralysis. Last evaluated: 2026-02-01. Review status: criteria provided, single submitter. Criteria: Invitae Variant Classification Sherloc (09022015). Collection method: clinical testing. Allele origin: germline.
Comment: This sequence change replaces aspartic acid, which is acidic and polar, with alanine, which is neutral and non-polar, at codon 1665 of the SCN4A protein (p.Asp1665Ala). This variant is present in population databases (rs758866720, gnomAD 0.004%). This variant has not been reported in the literature in individuals affected with SCN4A-related conditions. ClinVar contains an entry for this variant (Variation ID: 844062). Invitae Evidence Modeling of protein sequence and biophysical properties (such as structural, functional, and spatial information, amino acid conservation, physicochemical variation, residue mobility, and thermodynamic stability) indicates that this missense variant is expected to disrupt SCN4A protein function with a positive predictive value of 95%. In summary, the available evidence is currently insufficient to determine the role of this variant in disease. Therefore, it has been classified as a Variant of Uncertain Significance.

Ambry Genetics
Classification: Uncertain significance for Inborn genetic diseases. Last evaluated: 2025-11-20. Review status: criteria provided, single submitter. Criteria: Ambry Variant Classification Scheme 2023. Collection method: clinical testing. Allele origin: germline.

Fulgent Genetics
Classification: Uncertain significance for Paramyotonia congenita of Von Eulenburg; Hyperkalemic periodic paralysis; Potassium-aggravated myotonia; Hypokalemic periodic paralysis, type 2; Congenital myasthenic syndrome 16; Congenital myopathy 22A, classic; Congenital myopathy 22B, severe fetal. Last evaluated: 2024-05-10. Review status: criteria provided, single submitter. Criteria: ACMG Guidelines, 2015. Collection method: clinical testing. Allele origin: germline.

Mayo Clinic Laboratories, Mayo Clinic
Classification: Uncertain significance. Last evaluated: 2023-10-02. Review status: criteria provided, single submitter. Criteria: ACMG Guidelines, 2015. Collection method: clinical testing. Allele origin: germline. Observed: 1 variant allele.
Comment: PP3

NM_000334.4(SCN4A):c.4994A>C (p.Asp1665Ala)

Genes: GH-LCR (growth hormone locus control region; plus strand), SCN4A (sodium voltage-gated channel alpha subunit 4; minus strand). Cytogenetic location: 17q23.3.
Variant type: single nucleotide variant.
Coding change: c.4994A>C on transcript NM_000334.4 (MANE Select); coding-DNA position 4994, A replaced by C.
Protein change: p.Asp1665Ala; replaces aspartic acid 1665 with alanine.
Molecular consequence: missense variant.
Genome position (GRCh38, 1-based): chr17:63,941,288, T>G on the plus strand (A>C on the coding strand, the complement: SCN4A is on the minus strand). VCF-style: chr17-63941288-T-G. GRCh37 (hg19) VCF-style: chr17-62018648-T-G.
Other names: p.Asp1665Ala; short protein forms D1665A.
Identifiers: ClinVar variation 844062 (VCV000844062.14), dbSNP rs758866720, ClinGen allele CA8708862.
Genomic context (GRCh38, chr17:63,941,288, plus strand): 5'-TTGGTCAGGGCAAAGAGGATGTCCAGGCAGTGGATCTTGTCCCCTGGCACCATGGGCAAG[T>G]CCAGTGTGATGAGCTTGATCTTGTTGGGCTTGGCAATCCTCAGCGGTTCCTGCAGGGTGT-3'
Protein context (NP_000325.4, residues 1655-1675): KPNKIKLITL[Asp1665Ala]LPMVPGDKIH